The following is an entry in ClinVar:

NM_000271.5(NPC1):c.3107C>T (p.Thr1036Met)

Gene: NPC1 (NPC intracellular cholesterol transporter 1; minus strand). Cytogenetic location: 18q11.2.
Variant type: single nucleotide variant.
Coding change: c.3107C>T on transcript NM_000271.5 (MANE Select); coding-DNA position 3107, C replaced by T.
Protein change: p.Thr1036Met; replaces threonine 1036 with methionine.
Molecular consequence: missense variant.
Genome position (GRCh38, 1-based): chr18:23,536,811, G>A on the plus strand (C>T on the coding strand, the complement: NPC1 is on the minus strand). VCF-style: chr18-23536811-G-A. GRCh37 (hg19) VCF-style: chr18-21116775-G-A.
Other names: short protein forms T1036M.
Identifiers: ClinVar variation 2958 (VCV000002958.24), dbSNP rs28942104, ClinGen allele CA242024.

ClinVar aggregate classification (germline): Conflicting classifications of pathogenicity. Review status: criteria provided, conflicting classifications (1 of 4 stars). 10 submissions from 10 submitters: Pathogenic (5); Uncertain significance (1). 4 of the submissions do not count toward it. Last evaluated 2026-01-12.

Conditions:
Sphingomyelin/cholesterol lipidosis. Also called: Niemann-Pick disease. Identifiers: MedGen C0028064, MONDO:0001982.
Niemann-Pick disease, type C (NPC). Identifiers: Orphanet 646, MedGen C0220756, MONDO:0018982.
Niemann-Pick disease, type C1. Also called: NIEMANN-PICK DISEASE, VARIANT TYPE C1; NEUROVISCERAL STORAGE DISEASE WITH VERTICAL SUPRANUCLEAR OPHTHALMOPLEGIA; NIEMANN-PICK DISEASE WITH CHOLESTEROL ESTERIFICATION BLOCK; NIEMANN-PICK DISEASE WITHOUT SPHINGOMYELINASE DEFICIENCY; NIEMANN-PICK DISEASE, CHRONIC NEURONOPATHIC FORM. Identifiers: Orphanet 646, MedGen C3179455, MONDO:0009757, OMIM 257220.

Allele frequency attached by ClinVar (database versions not stated): gnomAD exomes 0.00003 and 0.00012; gnomAD 0.00002 and 0.00001; ExAC 0.00003; TOPMed 0.00003.
gnomAD v4.1: 171 of 1,614,044 alleles (0.011%); highest among the groups gnomAD compares: Middle Eastern, 0.016%; no homozygotes.

Submissions (10):

Labcorp Genetics (formerly Invitae), Labcorp
Classification: Pathogenic for Niemann-Pick disease, type C1. Last evaluated: 2026-01-12. Review status: criteria provided, single submitter. Criteria: Invitae Variant Classification Sherloc (09022015). Collection method: clinical testing. Allele origin: germline.
Comment: This sequence change replaces threonine, which is neutral and polar, with methionine, which is neutral and non-polar, at codon 1036 of the NPC1 protein (p.Thr1036Met). This variant is present in population databases (rs28942104, gnomAD 0.006%). This missense change has been observed in individual(s) with Niemann-Pick Type C disease (PMID: 9211849, 12955717, 17160617, 26666848, 28222799; internal data). In at least one individual the data is consistent with being in trans (on the opposite chromosome) from a pathogenic variant. ClinVar contains an entry for this variant (Variation ID: 2958). Invitae Evidence Modeling of protein sequence and biophysical properties (such as structural, functional, and spatial information, amino acid conservation, physicochemical variation, residue mobility, and thermodynamic stability) indicates that this missense variant is expected to disrupt NPC1 protein function with a positive predictive value of 95%. Experimental studies have shown that this missense change affects NPC1 function (PMID: 23593294). For these reasons, this variant has been classified as Pathogenic.

Institute of Human Genetics, University of Leipzig Medical Center
Classification: Pathogenic for Niemann-Pick disease, type C1. Last evaluated: 2025-04-17. Review status: criteria provided, single submitter. Criteria: ACMG Guidelines, 2015. Collection method: clinical testing. Allele origin: unknown. Inheritance: Autosomal recessive inheritance. Affected: yes.
Comment: Criteria applied: PM3_STR,PM5_STR,PM2,PP3; Identified as compund heterozygous with NM_000271.5:c.1552C>T

Women's Health and Genetics/Laboratory Corporation of America, LabCorp
Classification: Pathogenic for Niemann-Pick disease, type C. Last evaluated: 2025-03-05. Review status: criteria provided, single submitter. Criteria: LabCorp Variant Classification Summary - May 2015. Collection method: clinical testing. Allele origin: germline.
Comment: Variant summary: NPC1 c.3107C>T (p.Thr1036Met) results in a non-conservative amino acid change in the encoded protein sequence. Three of three in-silico tools predict a damaging effect of the variant on protein function. The variant allele was found at a frequency of 2.8e-05 in 251574 control chromosomes. c.3107C>T has been reported in the literature in the homozygous and compound heterozygous state in multiple individuals affected with Niemann-Pick Disease Type C (Carstea_1997, Garver_2010, Heron_2012). These data indicate that the variant is very likely to be associated with disease. The following publications have been ascertained in the context of this evaluation (PMID: 19744920, 12955717, 26981555, 22676771, 9211849). ClinVar contains an entry for this variant (Variation ID: 2958). Based on the evidence outlined above, the variant was classified as pathogenic.

Natera, Inc.
Classification: Pathogenic for Niemann-Pick disease type C1. Last evaluated: 2024-11-13. Review status: criteria provided, single submitter. Criteria: Natera Variant Classification Schema (03/2026). Collection method: clinical testing. Allele origin: germline.
Comment: The c.3107C>T variant in NPC1 is a missense variant predicted to cause substitution of threonine to methionine at amino acid 1036. This variant is rare in the general population with a frequency below the threshold expected for the associated phenotype(s). This variant has been observed in one or more individuals affected with the associated recessive disease, as either homozygous or compound heterozygous with a second variant (PMID: 17876724, 30172461). Given the available evidence, this variant is classified as Pathogenic.

Victorian Clinical Genetics Services, Murdoch Childrens Research Institute
Classification: Pathogenic for Niemann-Pick disease, type C1. Last evaluated: 2020-10-19. Review status: criteria provided, single submitter. Criteria: ACMG Guidelines, 2015. Collection method: clinical testing. Allele origin: germline. Inheritance: Autosomal recessive inheritance.
Comment: Based on the classification scheme VCGS_Germline_v1.3.3, this variant is classified as Pathogenic. Following criteria are met: 0102 - Loss of function is a known mechanism of disease in this gene and is associated with Niemann-Pick disease (MIM#257220). (I) 0106 - This gene is associated with autosomal recessive disease. (I) 0200 - Variant is predicted to result in a missense amino acid change from threonine to methionine. (I) 0251 - This variant is heterozygous. (I) 0304 - Variant is present in gnomAD <0.01 for a recessive condition (8 heterozygotes, 0 homozygote). (SP) 0309 - An alternative amino acid change at the same position has been observed in gnomAD (v2.1.1) (2 heterozygotes, 0 homozygotes). (I) 0501 - Missense variant consistently predicted to be damaging by multiple in silico tools or highly conserved with a major amino acid change. (SP) 0602 - Variant is located in a hotspot region or cluster of pathogenic variants within the Lumen cystein rich domain (PMID: 16126423, PMID: 32138288). (SP) 0801 - This variant has strong previous evidence of pathogenicity in unrelated individuals with Niemann-Pick disease, type C1 (ClinVar, PMID:9211849, PMID:19744920, PMID:22676771, PMID:26666848, PMID:28222799). (SP) 1010 - Functional evidence for this variant is inconclusive; NPC1 protein from patient fibroblast cells (compound heterozygous for this variant and p.(Pro1007Ala)) were shown to be mis-folded and displayed diminished function (PMID: 23653225). (I) 0703 - Other missense variants (p.(Thr1036Lys); p.(Thr1036Ala)) comparable to the one identified in this case have moderate previous evidence for pathogenicity (PMID:16098014, PMID:32138288). (I) Legend: (SP) – Supporting pathogenic, (I) – Information, (SB) – Supporting benign

Eurofins Ntd Llc (ga)
Classification: Uncertain significance. Last evaluated: 2014-08-14. Review status: criteria provided, single submitter. Criteria: EGL Classification Definitions 2015. Collection method: clinical testing. Allele origin: germline. Observed: 3 variant alleles, 3 heterozygotes.

Department of Reproductive Genetics, International Peace Maternity and Child Health Hospital, Shanghai Jiao Tong University School of Medicine
Classification: Pathogenic for Niemann-Pick disease. Last evaluated: 2025-05-01. Review status: no assertion criteria provided. Collection method: clinical testing. Allele origin: inherited. Affected: yes. Not counted in ClinVar's aggregate classification.

Counsyl
Classification: Likely pathogenic for Niemann-Pick disease type C1. Last evaluated: 2014-07-18. Review status: no assertion criteria provided. Collection method: literature only. Allele origin: unknown. Inheritance: Autosomal recessive inheritance. Not counted in ClinVar's aggregate classification.

OMIM
Classification: Pathogenic for NIEMANN-PICK DISEASE, TYPE C1. Last evaluated: 1997-07-11. Review status: no assertion criteria provided. Collection method: literature only. Allele origin: germline. Not counted in ClinVar's aggregate classification.

Genomics England Pilot Project, Genomics England
Classification: Pathogenic for Niemann-Pick disease, type C1. Review status: no assertion criteria provided. Criteria: ACGS Guidelines, 2016. Collection method: clinical testing. Allele origin: germline. Affected: yes. Not counted in ClinVar's aggregate classification.

Literature cited by the submitters: PubMed 9211849 (cited by 6 submitters); PubMed 12955717 (cited by 4 submitters); PubMed 17160617 (cited by Labcorp Genetics (formerly Invitae), Labcorp and Counsyl); PubMed 26666848 (cited by Labcorp Genetics (formerly Invitae), Labcorp and Victorian Clinical Genetics Services, Murdoch Childrens Research Institute); PubMed 28222799 (cited by Labcorp Genetics (formerly Invitae), Labcorp and Victorian Clinical Genetics Services, Murdoch Childrens Research Institute); PubMed 23593294 (cited by Labcorp Genetics (formerly Invitae), Labcorp); PubMed 19744920 (cited by 5 submitters); PubMed 26981555 (cited by Women's Health and Genetics/Laboratory Corporation of America, LabCorp); PubMed 22676771 (cited by 4 submitters); PubMed 17876724 (cited by Natera, Inc.); PubMed 30172461 (cited by Natera, Inc.); PubMed 16098014 (cited by Victorian Clinical Genetics Services, Murdoch Childrens Research Institute); PubMed 16126423 (cited by 3 submitters); PubMed 23653225 (cited by Victorian Clinical Genetics Services, Murdoch Childrens Research Institute and Counsyl); PubMed 32138288 (cited by Victorian Clinical Genetics Services, Murdoch Childrens Research Institute); PubMed 22505584 (cited by Counsyl).